The following is an entry in ClinVar:

ClinVar aggregate classification (germline): Uncertain significance (0 of 4 stars; one submission).

Conditions:
AKR1C4-related disorder. Also called: AKR1C4-related condition.

gnomAD v4.1: 12 of 1,614,040 alleles (0.00074%); highest among the groups gnomAD compares: East Asian, 0.018%; no homozygotes.

Submission:

PreventionGenetics, part of Exact Sciences
Classification: Uncertain significance for AKR1C4-related condition. Last evaluated: 2024-08-19. Review status: no assertion criteria provided. Collection method: clinical testing. Allele origin: germline.
Comment: The AKR1C4 c.764T>C variant is predicted to result in the amino acid substitution p.Ile255Thr. To our knowledge, this variant has not been reported in the literature. This variant is reported in 0.060% of alleles in individuals of East Asian descent in gnomAD. Although we suspect that this variant may be benign, at this time, the clinical significance of this variant is uncertain due to the absence of conclusive functional and genetic evidence.

NM_001818.5(AKR1C4):c.764T>C (p.Ile255Thr)

Gene: AKR1C4 (aldo-keto reductase family 1 member C4; plus strand). Cytogenetic location: 10p15.1.
Variant type: single nucleotide variant.
Coding change: c.764T>C on transcript NM_001818.5 (MANE Select); coding-DNA position 764, T replaced by C.
Protein change: p.Ile255Thr; replaces isoleucine 255 with threonine.
Molecular consequence: missense variant.
Genome position (GRCh38, 1-based): chr10:5,213,077, T>C. VCF-style: chr10-5213077-T-C. GRCh37 (hg19) VCF-style: chr10-5255040-T-C.
Other names: short protein forms I255T.
Identifiers: ClinVar variation 3353338 (VCV003353338.1).